The following is an entry in ClinVar:

ClinVar aggregate classification (germline): Uncertain significance. Review status: criteria provided, multiple submitters, no conflicts (2 of 4 stars). 4 submissions from 4 submitters: Uncertain significance (4). Last evaluated 2023-12-11.

Conditions:
Inborn genetic diseases. Identifiers: MedGen C0950123, MeSH D030342.
RFT1-congenital disorder of glycosylation (CDG1N). Also called: CDG In; Congenital disorder of glycosylation type In; RFT1-CDG. Identifiers: Orphanet 244310, MedGen C2677590, MONDO:0012783, OMIM 612015.

Allele frequency attached by ClinVar (database versions not stated): ExAC 0.00003; gnomAD exomes 0.00006; TOPMed 0.00007; gnomAD 0.00008.
gnomAD v4.1: 463 of 1,611,208 alleles (0.029%); highest among the groups gnomAD compares: Non-Finnish European, 0.038%; no homozygotes.

Submissions (4):

Labcorp Genetics (formerly Invitae), Labcorp
Classification: Uncertain significance for RFT1-congenital disorder of glycosylation. Last evaluated: 2023-12-11. Review status: criteria provided, single submitter. Criteria: Invitae Variant Classification Sherloc (09022015). Collection method: clinical testing. Allele origin: germline.
Comment: This sequence change replaces alanine, which is neutral and non-polar, with valine, which is neutral and non-polar, at codon 463 of the RFT1 protein (p.Ala463Val). This variant is present in population databases (rs763302334, gnomAD 0.01%). This variant has not been reported in the literature in individuals affected with RFT1-related conditions. ClinVar contains an entry for this variant (Variation ID: 287057). Advanced modeling of protein sequence and biophysical properties (such as structural, functional, and spatial information, amino acid conservation, physicochemical variation, residue mobility, and thermodynamic stability) performed at Invitae indicates that this missense variant is not expected to disrupt RFT1 protein function with a negative predictive value of 80%. In summary, the available evidence is currently insufficient to determine the role of this variant in disease. Therefore, it has been classified as a Variant of Uncertain Significance.

Ambry Genetics
Classification: Uncertain significance for Inborn genetic diseases. Last evaluated: 2021-05-01. Review status: criteria provided, single submitter. Criteria: Ambry Variant Classification Scheme 2023. Collection method: clinical testing. Allele origin: germline.

Illumina Laboratory Services, Illumina
Classification: Uncertain significance for RFT1-congenital disorder of glycosylation. Last evaluated: 2018-01-12. Review status: criteria provided, single submitter. Criteria: ICSL Variant Classification Criteria 13 December 2019. Collection method: clinical testing. Allele origin: germline.

Eurofins Ntd Llc (ga)
Classification: Uncertain significance. Last evaluated: 2016-03-24. Review status: criteria provided, single submitter. Criteria: EGL Classification Definitions 2015. Collection method: clinical testing. Allele origin: germline. Observed: 1 variant allele, 1 heterozygote.

NM_052859.4(RFT1):c.1388C>T (p.Ala463Val)

Gene: RFT1 (RFT1 glycolipid translocator homolog; minus strand). Cytogenetic location: 3p21.1.
Variant type: single nucleotide variant.
Coding change: c.1388C>T on transcript NM_052859.4 (MANE Select); coding-DNA position 1388, C replaced by T.
Protein change: p.Ala463Val; replaces alanine 463 with valine.
Molecular consequence: missense variant.
Genome position (GRCh38, 1-based): chr3:53,092,439, G>A on the plus strand (C>T on the coding strand, the complement: RFT1 is on the minus strand). VCF-style: chr3-53092439-G-A. GRCh37 (hg19) VCF-style: chr3-53126455-G-A.
Other names: short protein forms A463V.
Identifiers: ClinVar variation 287057 (VCV000287057.15), dbSNP rs763302334, ClinGen allele CA2451162.